The following is an entry in ClinVar:

NM_000222.3(KIT):c.1783C>G (p.Leu595Val)

Gene: KIT (KIT proto-oncogene, receptor tyrosine kinase; plus strand). Cytogenetic location: 4q12.
Variant type: single nucleotide variant.
Coding change: c.1783C>G on transcript NM_000222.3 (MANE Select); coding-DNA position 1783, C replaced by G.
Protein change: p.Leu595Val; replaces leucine 595 with valine.
Molecular consequence: missense variant.
Genome position (GRCh38, 1-based): chr4:54,727,831, C>G. VCF-style: chr4-54727831-C-G. GRCh37 (hg19) VCF-style: chr4-55593997-C-G.
Other names: c.1771C>G, p.Leu591Val (NM_001093772.2, NM_001385286.1); c.1786C>G, p.Leu596Val (NM_001385284.1, NM_001385290.1); c.1783C>G, p.Leu595Val (NM_001385285.1); c.1774C>G, p.Leu592Val (NM_001385288.1, NM_001385292.1); short protein forms L591V, L595V, L596V, L592V.
Identifiers: ClinVar variation 4093163 (VCV004093163.1).

ClinVar aggregate classification (germline): Uncertain significance (1 of 4 stars; one submission).

Conditions:
Hereditary cancer-predisposing syndrome. Also called: Tumor predisposition; Neoplastic Syndromes, Hereditary; Hereditary neoplastic syndrome; Hereditary Cancer Syndrome. Identifiers: Orphanet 140162, MedGen C0027672, MeSH D009386, MONDO:0015356.

Submission:

Ambry Genetics
Classification: Uncertain significance for Hereditary cancer-predisposing syndrome. Last evaluated: 2025-07-09. Review status: criteria provided, single submitter. Criteria: Ambry Variant Classification Scheme 2023. Collection method: clinical testing. Allele origin: germline.
Comment: The p.L595V variant (also known as c.1783C>G), located in coding exon 12 of the KIT gene, results from a C to G substitution at nucleotide position 1783. The leucine at codon 595 is replaced by valine, an amino acid with highly similar properties. This amino acid position is conserved. In addition, this alteration is predicted to be deleterious by in silico analysis. Based on the available evidence, the clinical significance of this variant remains unclear.